The following is an entry in ClinVar:

ClinVar aggregate classification (germline): Benign/Likely benign. Review status: criteria provided, multiple submitters, no conflicts (2 of 4 stars). 3 submissions from 3 submitters: Benign (1); Likely benign (2). Last evaluated 2025-09-01.

Conditions:
POLD1-related polyposis and colorectal cancer syndrome (CRCS10). Also called: Colorectal cancer, susceptibility to, 10; Colorectal cancer 10; COLORECTAL CANCER, SUSCEPTIBILITY TO, ON CHROMOSOME 19q. Identifiers: Orphanet 220460, MedGen C2675481, MONDO:0012953, OMIM 612591.
Hereditary cancer-predisposing syndrome. Also called: Neoplastic Syndromes, Hereditary; Tumor predisposition; Hereditary Cancer Syndrome; Hereditary neoplastic syndrome. Identifiers: Orphanet 140162, MedGen C0027672, MeSH D009386, MONDO:0015356.

Submissions (3):

Ambry Genetics
Classification: Likely benign for Hereditary cancer-predisposing syndrome. Last evaluated: 2025-09-01. Review status: criteria provided, single submitter. Criteria: Ambry Variant Classification Scheme 2023. Collection method: clinical testing. Allele origin: germline.

Myriad Genetics, Inc.
Classification: Benign for POLD1-related polyposis and colorectal cancer syndrome. Last evaluated: 2025-02-06. Review status: criteria provided, single submitter. Criteria: Myriad Autosomal Dominant, Autosomal Recessive and X-Linked Classification Criteria (2023). Collection method: clinical testing. Allele origin: unknown.
Comment: This variant is considered benign. This variant is a silent/synonymous amino acid change and it is not expected to impact splicing.

Labcorp Genetics (formerly Invitae), Labcorp
Classification: Likely benign for POLD1-related polyposis and colorectal cancer syndrome. Last evaluated: 2021-12-29. Review status: criteria provided, single submitter. Criteria: Invitae Variant Classification Sherloc (09022015). Collection method: clinical testing. Allele origin: germline.

NM_002691.4(POLD1):c.1524G>A (p.Leu508=)

Gene: POLD1 (DNA polymerase delta 1, catalytic subunit; plus strand). Cytogenetic location: 19q13.33.
Variant type: single nucleotide variant.
Coding change: c.1524G>A on transcript NM_002691.4 (MANE Select); coding-DNA position 1524, G replaced by A.
Protein change: p.Leu508=; no amino-acid change (leucine 508 retained).
Molecular consequence: synonymous variant. On other transcripts: non-coding transcript variant (1).
Genome position (GRCh38, 1-based): chr19:50,407,012, G>A. VCF-style: chr19-50407012-G-A. GRCh37 (hg19) VCF-style: chr19-50910269-G-A.
Other names: c.1524G>A, p.Leu508= (NM_001256849.1, NM_001308632.1); c.1524G>A (NM_002691.2).
Identifiers: ClinVar variation 2193812 (VCV002193812.6), dbSNP rs1601219069, ClinGen allele CA508183960.